The following is an entry in ClinVar:

NM_001379200.1(TBX1):c.555C>T (p.Ser185=)

Gene: TBX1 (T-box transcription factor 1; plus strand). Cytogenetic location: 22q11.21.
Variant type: single nucleotide variant.
Coding change: c.555C>T on transcript NM_001379200.1 (MANE Select); coding-DNA position 555, C replaced by T.
Protein change: p.Ser185=; no amino-acid change (serine 185 retained).
Molecular consequence: synonymous variant.
Genome position (GRCh38, 1-based): chr22:19,764,170, C>T. VCF-style: chr22-19764170-C-T. GRCh37 (hg19) VCF-style: chr22-19751693-C-T.
Other names: c.528C>T, p.Ser176= (NM_005992.1, NM_080646.2, NM_080647.1).
Identifiers: ClinVar variation 723787 (VCV000723787.6), dbSNP rs1337949186, ClinGen allele CA513361136.
Genomic context (GRCh38, chr22:19,764,170, plus strand): 5'-CTGGGTTCACCTCCACATGCACGACCCCACCCCGTGCCGCTCCAGGTACGCCTTCCACAG[C>T]TCCTCCTGGCTGGTGGCGGGGAAGGCCGACCCTGCCACGCCAGGCCGCGTGCACTACCAC-3'
Protein context (NP_001366129.1, residues 175-195): DDKRYRYAFH[Ser185=]SSWLVAGKAD

ClinVar aggregate classification (germline): Likely benign. Review status: criteria provided, multiple submitters, no conflicts (2 of 4 stars). 3 submissions from 3 submitters: Likely benign (3). Last evaluated 2026-07-01.

Conditions:
Cardiovascular phenotype. Identifiers: MedGen CN230736.

Allele frequency attached by ClinVar (database versions not stated): gnomAD exomes below 0.00001.
gnomAD v4.1: 2 of 1,612,936 alleles (0.00012%); highest among the groups gnomAD compares: Non-Finnish European, 0.000085%; no homozygotes.

Submissions (3):

CeGaT Center for Human Genetics Tuebingen
Classification: Likely benign. Last evaluated: 2026-07-01. Review status: criteria provided, single submitter. Criteria: CeGaT Center For Human Genetics Tuebingen Variant Classification Criteria Version 2. Collection method: clinical testing. Allele origin: germline. Affected: yes. Observed: 1 variant allele.
Comment: TBX1: BP4, BP7

Ambry Genetics
Classification: Likely benign for Cardiovascular phenotype. Last evaluated: 2021-12-13. Review status: criteria provided, single submitter. Criteria: Ambry Variant Classification Scheme 2023. Collection method: clinical testing. Allele origin: germline.

Labcorp Genetics (formerly Invitae), Labcorp
Classification: Likely benign. Last evaluated: 2018-12-20. Review status: criteria provided, single submitter. Criteria: Invitae Variant Classification Sherloc (09022015). Collection method: clinical testing. Allele origin: germline.